The following is an entry in ClinVar:

ClinVar aggregate classification (germline): Benign (0 of 4 stars; one submission).

Conditions:
SHROOM2-related disorder. Also called: SHROOM2-related condition.

Allele frequency attached by ClinVar (database versions not stated): ExAC 0.00411; 1000 Genomes Project 0.01033; gnomAD 0.01216; 1000 Genomes Project 30x 0.01228; TOPMed 0.01380; ESP Exome Variant Server 0.01411.
gnomAD v4.1: 2,765 of 1,208,313 alleles (0.23%); highest among the groups gnomAD compares: African/African-American, 4.2%; 54 homozygotes.

Submission:

PreventionGenetics, part of Exact Sciences
Classification: Benign for SHROOM2-related condition. Last evaluated: 2019-05-28. Review status: no assertion criteria provided. Collection method: clinical testing. Allele origin: germline.
Comment: This variant is classified as benign based on ACMG/AMP sequence variant interpretation guidelines (Richards et al. 2015 PMID: 25741868, with internal and published modifications).

NM_001649.4(SHROOM2):c.483G>A (p.Glu161=)

Gene: SHROOM2 (shroom family member 2; plus strand). Cytogenetic location: Xp22.2.
Variant type: single nucleotide variant.
Coding change: c.483G>A on transcript NM_001649.4 (MANE Select); coding-DNA position 483, G replaced by A.
Protein change: p.Glu161=; no amino-acid change (glutamic acid 161 retained).
Molecular consequence: synonymous variant.
Genome position (GRCh38, 1-based): chrX:9,894,391, G>A. VCF-style: chrX-9894391-G-A. GRCh37 (hg19) VCF-style: chrX-9862431-G-A.
Identifiers: ClinVar variation 3042208 (VCV003042208.2), dbSNP rs61999277, ClinGen allele CA10345215.